The following is an entry in ClinVar:

ClinVar aggregate classification (germline): Pathogenic/Likely pathogenic. Review status: criteria provided, multiple submitters, no conflicts (2 of 4 stars). 3 submissions from 3 submitters: Pathogenic (1); Likely pathogenic (2). Last evaluated 2025-02-26.

Conditions:
Arthrogryposis multiplex congenita 6. Identifiers: MedGen C5543431, MONDO:0030281, OMIM 619334.
Nemaline myopathy. Also called: Myopathies, Nemaline. Identifiers: Orphanet 607, MedGen C0206157, MONDO:0018958.

Submissions (3):

Broad Center for Mendelian Genomics, Broad Institute of MIT and Harvard
Classification: Likely pathogenic for Nemaline myopathy. Last evaluated: 2025-02-26. Review status: criteria provided, single submitter. Criteria: ACMG Guidelines, 2015. Collection method: curation. Allele origin: germline. Inheritance: Autosomal recessive inheritance.
Comment: The p.Ile8018PhefsTer127 variant in NEB has not been previously reported in the literature in individuals with nemaline myopathy, but has been identified in 0.0006% (7/1143596) of European (non-Finnish) chromosomes by the Genome Aggregation Database (gnomAD; dbSNP ID: rs758105619). Although this variant has been seen in the general population in a heterozygous state, its frequency is low enough to be consistent with a recessive carrier frequency. This variant has also been reported in ClinVar (Variation ID: 280373) and has been interpreted as pathogenic by GeneDx. This variant is predicted to cause a frameshift, which alters the protein‚Äôs amino acid sequence beginning at position 8018 and leads to a premature termination codon 127 amino acids downstream. This alteration is then predicted to lead to a truncated or absent protein. Loss of function of the NEB gene is an established disease mechanism in autosomal recessive nemaline myopathy. In summary, although additional studies are required to fully establish its clinical significance, this variant is likely pathogenic for autosomal recessive nemaline myopathy. ACMG/AMP Criteria applied: PVS1, PM2_supporting (Richards 2015).

Baylor Genetics
Classification: Likely pathogenic for Arthrogryposis multiplex congenita 6. Last evaluated: 2024-02-07. Review status: criteria provided, single submitter. Criteria: ACMG Guidelines, 2015. Collection method: clinical testing. Allele origin: unknown.

GeneDx
Classification: Pathogenic. Last evaluated: 2016-03-03. Review status: criteria provided, single submitter. Criteria: GeneDx Variant Classification (06012015). Collection method: clinical testing. Allele origin: germline. Affected: yes.
Comment: The c.24156delG pathogenic variant in the NEB gene causes a frameshift starting with codon Isoleucine 8053, changes this amino acid to a Phenylalanine residue and creates a premature Stop codon at position 127 of the new reading frame, denoted p.Ile8053PhefsX127. This variant is predicted to cause loss of normal protein function either through protein truncation or nonsense-mediated mRNA decay. The c.24156delG variant was not observed in approximately 2,300 individuals of European and African American ancestry in the NHLBI Exome Sequencing Project, indicating it is not a common benign variant in these populations.

NM_001164508.2(NEB):c.24051del (p.Ile8018fs)

Genes: NEB (nebulin; minus strand), RIF1 (replication timing regulatory factor 1; plus strand). Cytogenetic location: 2q23.3.
Variant type: Deletion.
Coding change: c.24051del on transcript NM_001164508.2 (MANE Select); coding-DNA position 24051, one base deleted (G; older notation c.24051delG).
Protein change: p.Ile8018fs; shifts the reading frame from isoleucine 8018.
Molecular consequence: frameshift variant. On other transcripts: intron variant (1).
Genome position (GRCh38, 1-based): chr2:151,499,361, C deleted on the plus strand (G on the coding strand, the reverse complement: NEB is on the minus strand); the first of 3 consecutive C bases (chr2:151,499,361-151,499,363); deleting any one gives the same sequence. VCF-style (leftmost placement, unchanged base first): chr2-151499360-TC-T. GRCh37 (hg19) VCF-style: chr2-152355874-TC-T.
Other names: NM_001164508.2(NEB):c.24051del; p.Ile8018fs; c.24051del, p.Ile8018fs (NM_001164507.2); c.24156del, p.Ile8053fs (NM_001271208.2); c.18826-2993del (NM_004543.5); c.24156delG (NM_001271208.1); c.24156del (NM_001271208.1); short protein forms I8018fs, I8053fs.
Identifiers: ClinVar variation 280373 (VCV000280373.5), dbSNP rs758105619, ClinGen allele CA1906157.